The following is an entry in ClinVar:

ClinVar aggregate classification (germline): Likely benign. Review status: criteria provided, multiple submitters, no conflicts (2 of 4 stars). 2 submissions from 2 submitters: Likely benign (2). Last evaluated 2024-05-10.

Allele frequency attached by ClinVar (database versions not stated): gnomAD 0.00001; gnomAD exomes 0.00001; TOPMed 0.00001.
gnomAD v4.1: 21 of 1,613,860 alleles (0.0013%); highest among the groups gnomAD compares: Non-Finnish European, 0.0017%; no homozygotes.

Submissions (2):

Women's Health and Genetics/Laboratory Corporation of America, LabCorp
Classification: Likely benign. Last evaluated: 2024-05-10. Review status: criteria provided, single submitter. Criteria: LabCorp Variant Classification Summary - May 2015. Collection method: clinical testing. Allele origin: germline.
Comment: Variant summary: MYO15A c.7327+11C>T alters a non-conserved nucleotide located at a position not widely known to affect splicing. Consensus agreement among computation tools predict no significant impact on normal splicing. However, these predictions have yet to be confirmed by functional studies. The variant allele was found at a frequency of 8e-06 in 249280 control chromosomes. The available data on variant occurrences in the general population are insufficient to allow any conclusion about variant significance. To our knowledge, no occurrence of c.7327+11C>T in individuals affected with Autosomal Recessive Nonsyndromic Hearing Loss 3 and no experimental evidence demonstrating its impact on protein function have been reported. ClinVar contains an entry for this variant (Variation ID: 1571081). Based on the evidence outlined above, the variant was classified as likely benign.

Labcorp Genetics (formerly Invitae), Labcorp
Classification: Likely benign. Last evaluated: 2023-07-25. Review status: criteria provided, single submitter. Criteria: Invitae Variant Classification Sherloc (09022015). Collection method: clinical testing. Allele origin: germline.

NM_016239.4(MYO15A):c.7327+11C>T

Gene: MYO15A (myosin XVA; plus strand). Cytogenetic location: 17p11.2.
Variant type: single nucleotide variant.
Coding change: c.7327+11C>T on transcript NM_016239.4 (MANE Select); 11 bases into the intron after coding-DNA position 7327, C replaced by T.
Molecular consequence: intron variant.
Genome position (GRCh38, 1-based): chr17:18,150,554, C>T. VCF-style: chr17-18150554-C-T. GRCh37 (hg19) VCF-style: chr17-18053868-C-T.
Identifiers: ClinVar variation 1571081 (VCV001571081.9), dbSNP rs1054722969, ClinGen allele CA288410597.